The following is an entry in ClinVar:

NM_002351.5(SH2D1A):c.201+1G>A

Gene: SH2D1A (SH2 domain containing 1A; plus strand). Cytogenetic location: Xq25.
Variant type: single nucleotide variant.
Coding change: c.201+1G>A on transcript NM_002351.5 (MANE Select); the canonical splice donor site of the intron after coding-DNA position 201, G replaced by A.
Molecular consequence: splice donor variant.
Genome position (GRCh38, 1-based): chrX:124,365,825, G>A. VCF-style: chrX-124365825-G-A. GRCh37 (hg19) VCF-style: chrX-123499675-G-A.
Other names: c.201+1G>A (NM_001114937.3).
Identifiers: ClinVar variation 2737365 (VCV002737365.3), dbSNP rs2522815020, ClinGen allele CA414123723.

ClinVar aggregate classification (germline): Pathogenic (1 of 4 stars; one submission).

Conditions:
X-linked lymphoproliferative disease due to SH2D1A deficiency (XLP1). Also called: SH2D1A-Related Lymphoproliferative Disease, X-Linked; DUNCAN DISEASE; IMMUNODEFICIENCY 5; IMMUNODEFICIENCY, X-LINKED PROGRESSIVE COMBINED VARIABLE; INFECTIOUS MONONUCLEOSIS, SEVERE, SUSCEPTIBILITY TO; PURTILO SYNDROME. Identifiers: Orphanet 2442, Orphanet 538931, MedGen C5399825, MONDO:0024551, OMIM 308240.

Submission:

Labcorp Genetics (formerly Invitae), Labcorp
Classification: Pathogenic for X-linked lymphoproliferative disease due to SH2D1A deficiency. Last evaluated: 2023-02-21. Review status: criteria provided, single submitter. Criteria: Invitae Variant Classification Sherloc (09022015). Collection method: clinical testing. Allele origin: germline.
Comment: For these reasons, this variant has been classified as Pathogenic. Studies have shown that disruption of this splice site results in skipping of exon 2 and introduces a premature termination codon (PMID: 10598819). The resulting mRNA is expected to undergo nonsense-mediated decay. This variant is also known as Intron 2: G(+1)→A, or g.19528G>A. Disruption of this splice site has been observed in individuals with clinical features of SH2D1A-related conditions (PMID: 20632414; Invitae). This variant is not present in population databases (gnomAD no frequency). This sequence change affects a donor splice site in intron 2 of the SH2D1A gene. RNA analysis indicates that disruption of this splice site induces altered splicing and may result in an absent or disrupted protein product.

Literature cited by the submitters: PubMed 10598819; PubMed 20632414.